The following is an entry in ClinVar:

NM_007294.4(BRCA1):c.4764_4765del (p.Arg1589fs)

Gene: BRCA1 (BRCA1 DNA repair associated; minus strand). Cytogenetic location: 17q21.31.
Variant type: Deletion.
Coding change: c.4764_4765del on transcript NM_007294.4 (MANE Select); coding-DNA positions 4764 to 4765, 2 bases deleted (TC; older notation c.4764_4765delTC).
Protein change: p.Arg1589fs; shifts the reading frame from arginine 1589.
Molecular consequence: frameshift variant. On other transcripts: non-coding transcript variant (1).
Genome position (GRCh38, 1-based): chr17:43,071,149-43,071,150, GA deleted on the plus strand (TC on the coding strand, the reverse complement: BRCA1 is on the minus strand); deleting any 2 consecutive bases within chr17:43,071,149-43,071,151 gives the same sequence; the c. name uses the placement nearest the transcript's 3' end. VCF-style (leftmost placement, unchanged base first): chr17-43071148-CGA-C. GRCh37 (hg19) VCF-style: chr17-41223165-CGA-C.
Other names: 4883delTC; c.4764_4765delTC (NM_007294.3); c.1184_1185delCT, p.Arg396Cysfs (NM_001408505.1); c.1127_1128delCT, p.Arg377Cysfs (NM_001408506.1); c.1124_1125delCT, p.Arg376Cysfs (NM_001408507.1); c.1115_1116delCT, p.Arg373Cysfs (NM_001408508.1); c.1112_1113delCT, p.Arg372Cysfs (NM_001408509.1); c.1073_1074delCT, p.Arg359Cysfs (NM_001408510.1); and 75 more; short protein forms R1589fs, R485fs, R1610fs, R1542fs.
Identifiers: ClinVar variation 125730 (VCV000125730.4), dbSNP rs80357795, ClinGen allele CA003009.

ClinVar aggregate classification (germline): Pathogenic. Review status: reviewed by expert panel (3 of 4 stars). 3 submissions from 3 submitters: Pathogenic (1). 2 of the submissions do not count toward it. Last evaluated 2016-09-08.

Conditions:
Hereditary cancer-predisposing syndrome. Also called: Tumor predisposition; Hereditary neoplastic syndrome; Hereditary Cancer Syndrome; Neoplastic Syndromes, Hereditary. Identifiers: Orphanet 140162, MedGen C0027672, MeSH D009386, MONDO:0015356.
Breast-ovarian cancer, familial, susceptibility to, 1 (BROVCA1). Also called: BRCA1 Hereditary Breast and Ovarian Cancer; OVARIAN CANCER, SUSCEPTIBILITY TO. Identifiers: Orphanet 145, MedGen C2676676, MONDO:0011450, OMIM 604370. Disease mechanism: loss of function.

Submissions (3):

Evidence-based Network for the Interpretation of Germline Mutant Alleles (ENIGMA)
Classification: Pathogenic for Breast-ovarian cancer, familial, susceptibility to, 1. Last evaluated: 2016-09-08. Review status: reviewed by expert panel. Criteria: ENIGMA BRCA1/2 Classification Criteria (2015). Collection method: curation. Allele origin: germline.
Comment: Variant allele predicted to encode a truncated non-functional protein.

Ambry Genetics
Classification: Pathogenic for Hereditary cancer-predisposing syndrome. Last evaluated: 2025-11-03. Review status: criteria provided, single submitter. Criteria: Ambry Variant Classification Scheme 2023. Collection method: clinical testing. Allele origin: germline. Not counted in ClinVar's aggregate classification.
Comment: The c.4764_4765delTC pathogenic mutation, located in coding exon 14 of the BRCA1 gene, results from a deletion of two nucleotides at nucleotide positions 4764 to 4765, causing a translational frameshift with a predicted alternate stop codon (p.R1589Cfs*32). This variant is considered to be rare based on population cohorts in the Genome Aggregation Database (gnomAD). This alteration is expected to result in loss of function by premature protein truncation or nonsense-mediated mRNA decay. As such, this alteration is interpreted as a disease-causing mutation.

Breast Cancer Information Core (BIC) (BRCA1)
Classification: Pathogenic for Breast-ovarian cancer, familial 1. Last evaluated: 2004-11-25. Review status: no assertion criteria provided. Collection method: clinical testing. Allele origin: germline. Affected: yes. Observed: 1 variant allele. Not counted in ClinVar's aggregate classification.